The following is an entry in ClinVar:

ClinVar aggregate classification (germline): Uncertain significance (1 of 4 stars; one submission).

Submission:

Labcorp Genetics (formerly Invitae), Labcorp
Classification: Uncertain significance. Last evaluated: 2022-04-24. Review status: criteria provided, single submitter. Criteria: Invitae Variant Classification Sherloc (09022015). Collection method: clinical testing. Allele origin: germline.
Comment: In summary, the available evidence is currently insufficient to determine the role of this variant in disease. Therefore, it has been classified as a Variant of Uncertain Significance. Algorithms developed to predict the effect of missense changes on protein structure and function (SIFT, PolyPhen-2, Align-GVGD) all suggest that this variant is likely to be tolerated. This variant has not been reported in the literature in individuals affected with NDUFAF6-related conditions. This variant is not present in population databases (gnomAD no frequency). This sequence change replaces arginine, which is basic and polar, with leucine, which is neutral and non-polar, at codon 14 of the NDUFAF6 protein (p.Arg14Leu).

NM_152416.4(NDUFAF6):c.41G>T (p.Arg14Leu)

Genes: NDUFAF6 (NADH:ubiquinone oxidoreductase complex assembly factor 6; plus strand), LOC113788297 (Sharpr-MPRA regulatory region 2014; plus strand). Cytogenetic location: 8q22.1.
Variant type: single nucleotide variant.
Coding change: c.41G>T on transcript NM_152416.4 (MANE Select); coding-DNA position 41, G replaced by T.
Protein change: p.Arg14Leu; replaces arginine 14 with leucine.
Molecular consequence: missense variant. On other transcripts: 5 prime UTR variant (12), non-coding transcript variant (6), intron variant (7).
Genome position (GRCh38, 1-based): chr8:95,025,049, G>T. VCF-style: chr8-95025049-G-T. GRCh37 (hg19) VCF-style: chr8-96037277-G-T.
Other names: c.-240G>T (NM_001330582.2, NM_001354521.2); c.-193G>T (NM_001354517.2); c.-412G>T (NM_001354518.2); c.-408G>T (NM_001354519.2); c.-757G>T (NM_001354527.2); c.-728G>T (NM_001354528.2); c.-540G>T (NM_001354529.2); c.-642G>T (NM_001354530.2); and 8 more; short protein forms R14L.
Identifiers: ClinVar variation 2126977 (VCV002126977.4), dbSNP rs745925139, ClinGen allele CA371742317.